The following is an entry in ClinVar:

ClinVar aggregate classification (germline): Uncertain significance (1 of 4 stars; one submission).

Conditions:
Joubert syndrome. Also called: Familial aplasia of the vermis; CEREBELLOPARENCHYMAL DISORDER IV; JOUBERT-BOLTSHAUSER SYNDROME. Identifiers: Orphanet 475, MedGen C5979921, MONDO:0018772.
Meckel-Gruber syndrome. Also called: Dysencephalia splachnocystica; DYSENCEPHALIA SPLANCHNOCYSTICA; GRUBER SYNDROME. Identifiers: Orphanet 564, MedGen C0265215, MONDO:0018921.

Submission:

Labcorp Genetics (formerly Invitae), Labcorp
Classification: Uncertain significance for Joubert syndrome; Meckel-Gruber syndrome. Last evaluated: 2020-01-06. Review status: criteria provided, single submitter. Criteria: Invitae Variant Classification Sherloc (09022015). Collection method: clinical testing. Allele origin: germline.
Comment: This variant has not been reported in the literature in individuals with RPGRIP1L-related conditions. Algorithms developed to predict the effect of missense changes on protein structure and function are either unavailable or do not agree on the potential impact of this missense change (SIFT: "Deleterious"; PolyPhen-2: "Probably Damaging"; Align-GVGD: "Class C0"). Algorithms developed to predict the effect of sequence changes on RNA splicing suggest that this variant may create or strengthen a splice site, but this prediction has not been confirmed by published transcriptional studies. In summary, the available evidence is currently insufficient to determine the role of this variant in disease. Therefore, it has been classified as a Variant of Uncertain Significance. This sequence change replaces aspartic acid with glycine at codon 870 of the RPGRIP1L protein (p.Asp870Gly). The aspartic acid residue is moderately conserved and there is a moderate physicochemical difference between aspartic acid and glycine. This variant is not present in population databases (ExAC no frequency).

NM_015272.5(RPGRIP1L):c.2609A>G (p.Asp870Gly)

Gene: RPGRIP1L (RPGRIP1 like; minus strand). Cytogenetic location: 16q12.2.
Variant type: single nucleotide variant.
Coding change: c.2609A>G on transcript NM_015272.5 (MANE Select); coding-DNA position 2609, A replaced by G.
Protein change: p.Asp870Gly; replaces aspartic acid 870 with glycine.
Molecular consequence: missense variant.
Genome position (GRCh38, 1-based): chr16:53,645,699, T>C on the plus strand (A>G on the coding strand, the complement: RPGRIP1L is on the minus strand). VCF-style: chr16-53645699-T-C. GRCh37 (hg19) VCF-style: chr16-53679611-T-C.
Other names: c.2609A>G, p.Asp870Gly (NM_001127897.4, NM_001308334.3, NM_001330538.2); short protein forms D870G.
Identifiers: ClinVar variation 1021247 (VCV001021247.9), dbSNP rs1966496784, ClinGen allele CA395914227.